The following is an entry in ClinVar:

NM_007294.4(BRCA1):c.2276A>T (p.Gln759Leu)

Gene: BRCA1 (BRCA1 DNA repair associated; minus strand). Cytogenetic location: 17q21.31.
Variant type: single nucleotide variant.
Coding change: c.2276A>T on transcript NM_007294.4 (MANE Select); coding-DNA position 2276, A replaced by T.
Protein change: p.Gln759Leu; replaces glutamine 759 with leucine.
Molecular consequence: missense variant. On other transcripts: intron variant (137).
Genome position (GRCh38, 1-based): chr17:43,093,255, T>A on the plus strand (A>T on the coding strand, the complement: BRCA1 is on the minus strand). VCF-style: chr17-43093255-T-A. GRCh37 (hg19) VCF-style: chr17-41245272-T-A.
Other names: c.2153A>T, p.Gln718Leu (NM_001407665.1, NM_001407666.1, NM_001407667.1 and 19 more transcripts); c.2150A>T, p.Gln717Leu (NM_001407670.1, NM_001407690.1, NM_001407691.1 and 11 more transcripts); c.2276A>T, p.Gln759Leu (NM_001407619.1, NM_001407620.1, NM_001407621.1 and 30 more transcripts); c.2273A>T, p.Gln758Leu (NM_001407627.1, NM_001407628.1, NM_001407638.1 and 22 more transcripts); c.2135A>T, p.Gln712Leu (NM_001407735.1, NM_001407736.1, NM_001407737.1 and 29 more transcripts); c.2132A>T, p.Gln711Leu (NM_001407740.1, NM_001407741.1, NM_001407742.1 and 20 more transcripts); c.2267A>T, p.Gln756Leu (NM_001407646.1, NM_001407647.1); c.2075A>T, p.Gln692Leu (NM_001407862.1); and 41 more; short protein forms Q648L, Q670L, Q689L, Q732L, Q463L, Q671L, Q688L, Q691L.
Identifiers: ClinVar variation 5033156 (VCV005033156.1).

ClinVar aggregate classification (germline): Uncertain significance (1 of 4 stars; one submission).

Conditions:
Hereditary cancer-predisposing syndrome. Also called: Neoplastic Syndromes, Hereditary; Tumor predisposition; Hereditary neoplastic syndrome; Hereditary Cancer Syndrome. Identifiers: Orphanet 140162, MedGen C0027672, MeSH D009386, MONDO:0015356.

Submission:

Ambry Genetics
Classification: Uncertain significance for Hereditary cancer-predisposing syndrome. Last evaluated: 2026-06-16. Review status: criteria provided, single submitter. Criteria: Ambry Variant Classification Scheme 2023. Collection method: clinical testing. Allele origin: germline.
Comment: The p.Q759L variant (also known as c.2276A>T), located in coding exon 9 of the BRCA1 gene, results from an A to T substitution at nucleotide position 2276. The glutamine at codon 759 is replaced by leucine, an amino acid with dissimilar properties. This amino acid position is not well conserved in available vertebrate species. In addition, the in silico prediction for this alteration is inconclusive. Based on the available evidence, the clinical significance of this variant remains unclear.